The following is an entry in ClinVar:

ClinVar aggregate classification (germline): Pathogenic/Likely pathogenic. Review status: criteria provided, multiple submitters, no conflicts (2 of 4 stars). 3 submissions from 3 submitters: Pathogenic (2); Likely pathogenic (1). Last evaluated 2025-07-15.

Conditions:
Congenital microcephaly - severe encephalopathy - progressive cerebral atrophy syndrome. Also called: ASNS DEFICIENCY; Asparagine synthetase deficiency. Identifiers: Orphanet 391376, MedGen C3809971, MONDO:0014258, OMIM 615574.

Submissions (3):

Natera, Inc.
Classification: Likely pathogenic for Asparagine synthetase deficiency. Last evaluated: 2025-07-15. Review status: criteria provided, single submitter. Criteria: Natera Variant Classification Schema (03/2026). Collection method: clinical testing. Allele origin: germline.
Comment: The c.1193_1196delATTT variant in ASNS is a frameshift variant predicted to shift the reading frame beginning at codon 398 and leads to a stop codon 18 codons downstream. This variant is expected to result in nonsense mediated decay, truncation, or a dysfunctional protein product. This variant is rare in the general population with a frequency below the threshold expected for the associated phenotype(s). Given the available evidence, this variant is classified as Likely Pathogenic.

Women's Health and Genetics/Laboratory Corporation of America, LabCorp
Classification: Pathogenic for Congenital microcephaly - severe encephalopathy - progressive cerebral atrophy syndrome. Last evaluated: 2024-07-31. Review status: criteria provided, single submitter. Criteria: LabCorp Variant Classification Summary - May 2015. Collection method: clinical testing. Allele origin: germline.
Comment: Variant summary: ASNS c.1193_1196delATTT (p.Tyr398CysfsX18) results in a premature termination codon, predicted to cause absence of the protein due to nonsense mediated decay, which is a commonly known mechanism for disease. The variant was absent in 251434 control chromosomes (gnomAD). To our knowledge, no occurrence of c.1193_1196delATTT in individuals affected with Asparagine Synthetase Deficiency and no experimental evidence demonstrating its impact on protein function have been reported. ClinVar contains an entry for this variant (Variation ID: 2745310). Based on the evidence outlined above, the variant was classified as pathogenic.

Labcorp Genetics (formerly Invitae), Labcorp
Classification: Pathogenic. Last evaluated: 2024-02-25. Review status: criteria provided, single submitter. Criteria: Invitae Variant Classification Sherloc (09022015). Collection method: clinical testing. Allele origin: germline.
Comment: This sequence change creates a premature translational stop signal (p.Tyr398Cysfs*18) in the ASNS gene. It is expected to result in an absent or disrupted protein product. Loss-of-function variants in ASNS are known to be pathogenic (PMID: 27422383, 30057589). This variant is not present in population databases (gnomAD no frequency). This variant has not been reported in the literature in individuals affected with ASNS-related conditions. For these reasons, this variant has been classified as Pathogenic.

Literature cited by the submitters: PubMed 27422383 (cited by Labcorp Genetics (formerly Invitae), Labcorp); PubMed 30057589 (cited by Labcorp Genetics (formerly Invitae), Labcorp).

NM_001673.5(ASNS):c.1193_1196del (p.Tyr398fs)

Genes: ASNS (asparagine synthetase (glutamine-hydrolyzing); minus strand), CZ1P-ASNS (CZ1P-ASNS readthrough; minus strand). Cytogenetic location: 7q21.3.
Variant type: Deletion.
Coding change: c.1193_1196del on transcript NM_001673.5 (MANE Select); coding-DNA positions 1193 to 1196, 4 bases deleted (ATTT; older notation c.1193_1196delATTT).
Protein change: p.Tyr398fs; shifts the reading frame from tyrosine 398.
Molecular consequence: frameshift variant. On other transcripts: non-coding transcript variant (1).
Genome position (GRCh38, 1-based): chr7:97,854,622-97,854,625, AAAT deleted on the plus strand (ATTT on the coding strand, the reverse complement: ASNS is on the minus strand); deleting any 4 consecutive bases within chr7:97,854,622-97,854,626 gives the same sequence; the c. name uses the placement nearest the transcript's 3' end. VCF-style (leftmost placement, unchanged base first): chr7-97854621-CAAAT-C. GRCh37 (hg19) VCF-style: chr7-97483933-CAAAT-C.
Other names: c.1130_1133del, p.Tyr377fs (NM_001178075.2); c.944_947del, p.Tyr315fs (NM_001178076.2, NM_001178077.1); c.1193_1196del, p.Tyr398fs (NM_001352496.2, NM_133436.3, NM_183356.4); c.1193_1196delATTT (NM_133436.3); short protein forms Y377fs, Y398fs, Y315fs.
Identifiers: ClinVar variation 2745310 (VCV002745310.5), dbSNP rs1197097532, ClinGen allele CA844347443.